The following is an entry in ClinVar:

NM_006031.6(PCNT):c.7782C>T (p.Ser2594=)

Gene: PCNT (pericentrin; plus strand). Cytogenetic location: 21q22.3.
Variant type: single nucleotide variant.
Coding change: c.7782C>T on transcript NM_006031.6 (MANE Select); coding-DNA position 7782, C replaced by T.
Protein change: p.Ser2594=; no amino-acid change (serine 2594 retained).
Molecular consequence: synonymous variant.
Genome position (GRCh38, 1-based): chr21:46,430,101, C>T. VCF-style: chr21-46430101-C-T. GRCh37 (hg19) VCF-style: chr21-47850015-C-T.
Other names: c.7782C>T (NM_006031.5); c.7428C>T, p.Ser2476= (NM_001315529.2).
Identifiers: ClinVar variation 2912391 (VCV002912391.4), dbSNP rs752270968, ClinGen allele CA10080791.

ClinVar aggregate classification (germline): Likely benign. Review status: criteria provided, multiple submitters, no conflicts (2 of 4 stars). 2 submissions from 2 submitters: Likely benign (2). Last evaluated 2025-06-25.

Conditions:
PCNT-related disorder. Also called: PCNT-related condition.

Allele frequency attached by ClinVar (database versions not stated): gnomAD exomes below 0.00001; gnomAD 0.00001; TOPMed 0.00001; ExAC 0.00002.

Submissions (2):

PreventionGenetics, part of Exact Sciences
Classification: Likely benign for PCNT-related condition. Last evaluated: 2025-06-25. Review status: criteria provided, single submitter. Criteria: ACMG Guidelines, 2015. Collection method: clinical testing. Allele origin: germline.
Comment: This variant is classified as likely benign based on ACMG/AMP sequence variant interpretation guidelines (Richards et al. 2015 PMID: 25741868, with internal and published modifications).

Labcorp Genetics (formerly Invitae), Labcorp
Classification: Likely benign. Last evaluated: 2023-07-07. Review status: criteria provided, single submitter. Criteria: Invitae Variant Classification Sherloc (09022015). Collection method: clinical testing. Allele origin: germline.